The following is an entry in ClinVar:

ClinVar aggregate classification (germline): Uncertain significance (1 of 4 stars; one submission).

gnomAD v4.1: 13 of 1,612,254 alleles (0.00081%); highest among the groups gnomAD compares: South Asian, 0.0011%; no homozygotes.

Submission:

Labcorp Genetics (formerly Invitae), Labcorp
Classification: Uncertain significance. Last evaluated: 2024-09-09. Review status: criteria provided, single submitter. Criteria: Invitae Variant Classification Sherloc (09022015). Collection method: clinical testing. Allele origin: germline.
Comment: This sequence change replaces arginine, which is basic and polar, with glutamine, which is neutral and polar, at codon 346 of the TIMM50 protein (p.Arg346Gln). This variant is present in population databases (no rsID available, gnomAD 0.0009%). This variant has not been reported in the literature in individuals affected with TIMM50-related conditions. Invitae Evidence Modeling of protein sequence and biophysical properties (such as structural, functional, and spatial information, amino acid conservation, physicochemical variation, residue mobility, and thermodynamic stability) indicates that this missense variant is not expected to disrupt TIMM50 protein function with a negative predictive value of 80%. In summary, the available evidence is currently insufficient to determine the role of this variant in disease. Therefore, it has been classified as a Variant of Uncertain Significance.

NM_001001563.5(TIMM50):c.728G>A (p.Arg243Gln)

Gene: TIMM50 (translocase of inner mitochondrial membrane 50; plus strand). Cytogenetic location: 19q13.2.
Variant type: single nucleotide variant.
Coding change: c.728G>A on transcript NM_001001563.5 (MANE Select); coding-DNA position 728, G replaced by A.
Protein change: p.Arg243Gln; replaces arginine 243 with glutamine.
Molecular consequence: missense variant.
Genome position (GRCh38, 1-based): chr19:39,488,092, G>A. VCF-style: chr19-39488092-G-A. GRCh37 (hg19) VCF-style: chr19-39978732-G-A.
Other names: c.389G>A, p.Arg130Gln (NM_001329559.2); short protein forms R130Q, R243Q.
Identifiers: ClinVar variation 3613337 (VCV003613337.2).